The following is an entry in ClinVar:

NM_001374736.1(DST):c.20346C>T (p.Asn6782=)

Gene: DST (dystonin; minus strand). Cytogenetic location: 6p12.1.
Variant type: single nucleotide variant.
Coding change: c.20346C>T on transcript NM_001374736.1 (MANE Select); coding-DNA position 20346, C replaced by T.
Protein change: p.Asn6782=; no amino-acid change (asparagine 6782 retained).
Molecular consequence: synonymous variant.
Genome position (GRCh38, 1-based): chr6:56,494,058, G>A on the plus strand (C>T on the coding strand, the complement: DST is on the minus strand). VCF-style: chr6-56494058-G-A. GRCh37 (hg19) VCF-style: chr6-56358856-G-A.
Other names: c.13989C>T, p.Asn4663= (NM_001144769.5); c.13575C>T, p.Asn4525= (NM_001144770.2); c.20346C>T, p.Asn6782= (NM_001374722.1); c.19386C>T, p.Asn6462= (NM_001374729.1); c.13128C>T, p.Asn4376= (NM_001374730.1); c.20373C>T, p.Asn6791= (NM_001374734.1); c.13455C>T, p.Asn4485= (NM_001386100.1, NM_183380.4); c.12477C>T, p.Asn4159= (NM_015548.5).
Identifiers: ClinVar variation 796761 (VCV000796761.15), dbSNP rs200110251, ClinGen allele CA3866774.
Genomic context (GRCh38, chr6:56,494,058, plus strand): 5'-CAAAGCACATACTTTCCTTTCATTGAGTTTGGTTTCCACCGATTCCCATTTTTCTTTCAA[G>A]TTATTTATGTCTTGGTCAATATTTGTCTCTGCAGATTTTGGGCATCTTGCAAGCATCTGC-3'
Protein context (NP_001361665.1, residues 6772-6792): AETNIDQDIN[Asn6782=]LKEKWESVET

ClinVar aggregate classification (germline): Benign/Likely benign. Review status: criteria provided, multiple submitters, no conflicts (2 of 4 stars). 3 submissions from 3 submitters: Benign (1); Likely benign (1). 1 of the submissions does not count toward it. Last evaluated 2025-12-12.

Conditions:
Hereditary sensory and autonomic neuropathy type 6. Also called: HSAN VI; Neuropathy, hereditary sensory and autonomic, type VI. Identifiers: Orphanet 314381, MedGen C3539003, MONDO:0013839, OMIM 614653.
Epidermolysis bullosa simplex 3, localized or generalized intermediate, with BP230 deficiency (EBS3). Also called: Epidermolysis bullosa simplex, autosomal recessive 2; Epidermolysis bullosa simplex due to BP230 deficiency. Identifiers: Orphanet 412181, MedGen C3809470, MONDO:0014180, OMIM 615425.
DST-related disorder. Also called: DST-related condition; DST-related disorders.

Allele frequency attached by ClinVar (database versions not stated): ExAC 0.00052; gnomAD 0.00018 and 0.00025; 1000 Genomes Project 30x 0.00094; 1000 Genomes Project 0.00120; gnomAD exomes 0.00020 and 0.00050; TOPMed 0.00031.
gnomAD v4.1: 325 of 1,604,118 alleles (0.02%); highest among the groups gnomAD compares: East Asian, 0.48%; 3 homozygotes.

Submissions (3):

Labcorp Genetics (formerly Invitae), Labcorp
Classification: Benign for Epidermolysis bullosa simplex 3, localized or generalized intermediate, with BP230 deficiency; Hereditary sensory and autonomic neuropathy type 6. Last evaluated: 2025-12-12. Review status: criteria provided, single submitter. Criteria: Invitae Variant Classification Sherloc (09022015). Collection method: clinical testing. Allele origin: germline.

Blueprint Genetics
Classification: Likely benign. Last evaluated: 2024-10-03. Review status: criteria provided, single submitter. Criteria: ACMG Guidelines, 2015. Collection method: clinical testing. Allele origin: germline.

PreventionGenetics, part of Exact Sciences
Classification: Likely benign for DST-related condition. Last evaluated: 2023-12-13. Review status: no assertion criteria provided. Collection method: clinical testing. Allele origin: germline. Not counted in ClinVar's aggregate classification.
Comment: This variant is classified as likely benign based on ACMG/AMP sequence variant interpretation guidelines (Richards et al. 2015 PMID: 25741868, with internal and published modifications).